The following is an entry in ClinVar:

NM_001130004.2(ACTN1):c.659A>C (p.Lys220Thr)

Gene: ACTN1 (actinin alpha 1; minus strand). Cytogenetic location: 14q24.1.
Variant type: single nucleotide variant.
Coding change: c.659A>C on transcript NM_001130004.2 (MANE Select); coding-DNA position 659, A replaced by C.
Protein change: p.Lys220Thr; replaces lysine 220 with threonine.
Molecular consequence: missense variant. On other transcripts: 5 prime UTR variant (1).
Genome position (GRCh38, 1-based): chr14:68,904,672, T>G on the plus strand (A>C on the coding strand, the complement: ACTN1 is on the minus strand). VCF-style: chr14-68904672-T-G. GRCh37 (hg19) VCF-style: chr14-69371389-T-G.
Other names: c.659A>C, p.Lys220Thr (NM_001102.4, NM_001130005.2, NM_001411035.1 and 9 more transcripts); c.464A>C, p.Lys155Thr (NM_001411036.1, NM_001424026.1, NM_001424028.1); c.785A>C, p.Lys262Thr (NM_001424013.1); c.746A>C, p.Lys249Thr (NM_001424015.1); c.656A>C, p.Lys219Thr (NM_001424017.1); c.596A>C, p.Lys199Thr (NM_001424018.1, NM_001424020.1, NM_001424022.1); c.590A>C, p.Lys197Thr (NM_001424021.1); c.-252A>C (NM_001424030.1); short protein forms K249T, K262T, K197T, K219T, K155T, K199T, K220T.
Identifiers: ClinVar variation 3002189 (VCV003002189.3), dbSNP rs747727367, ClinGen allele CA390190969.

ClinVar aggregate classification (germline): Uncertain significance (1 of 4 stars; one submission).

gnomAD v4.1: 2 of 1,614,110 alleles (0.00012%); highest among the groups gnomAD compares: Non-Finnish European, 0.00017%; no homozygotes.

Submission:

Labcorp Genetics (formerly Invitae), Labcorp
Classification: Uncertain significance. Last evaluated: 2023-11-24. Review status: criteria provided, single submitter. Criteria: Invitae Variant Classification Sherloc (09022015). Collection method: clinical testing. Allele origin: germline.
Comment: This sequence change replaces lysine, which is basic and polar, with threonine, which is neutral and polar, at codon 220 of the ACTN1 protein (p.Lys220Thr). This variant is not present in population databases (gnomAD no frequency). This variant has not been reported in the literature in individuals affected with ACTN1-related conditions. Advanced modeling of protein sequence and biophysical properties (such as structural, functional, and spatial information, amino acid conservation, physicochemical variation, residue mobility, and thermodynamic stability) performed at Invitae indicates that this missense variant is expected to disrupt ACTN1 protein function with a positive predictive value of 80%. In summary, the available evidence is currently insufficient to determine the role of this variant in disease. Therefore, it has been classified as a Variant of Uncertain Significance.